The following is an entry in ClinVar:

NM_001294.4(CLPTM1):c.1437G>C (p.Leu479=)

Gene: CLPTM1 (CLPTM1 regulator of GABA type A receptor forward trafficking; plus strand). Cytogenetic location: 19q13.32.
Variant type: single nucleotide variant.
Coding change: c.1437G>C on transcript NM_001294.4 (MANE Select); coding-DNA position 1437, G replaced by C.
Protein change: p.Leu479=; no amino-acid change (leucine 479 retained).
Molecular consequence: synonymous variant.
Genome position (GRCh38, 1-based): chr19:44,991,255, G>C. VCF-style: chr19-44991255-G-C. GRCh37 (hg19) VCF-style: chr19-45494513-G-C.
Other names: c.1395G>C, p.Leu465= (NM_001282175.2); c.1131G>C, p.Leu377= (NM_001282176.2).
Identifiers: ClinVar variation 3056545 (VCV003056545.2), dbSNP rs143359259, ClinGen allele CA9507194.
Genomic context (GRCh38, chr19:44,991,255, plus strand): 5'-GGGCTGAGGAGCTGGCTGACAGCCCCACCCTGTGGCCCCACAGATGGCATTCCGGTACCT[G>C]TCCTGGATCCTCTTCCCGCTCCTGGGCTGCTATGCCGTCTACAGTCTTCTGTACCTGGAG-3'
Protein context (NP_001285.1, residues 469-489): KVYDDMAFRY[Leu479=]SWILFPLLGC

ClinVar aggregate classification (germline): Benign (0 of 4 stars; one submission).

Conditions:
CLPTM1-related disorder. Also called: CLPTM1-related condition.

Allele frequency attached by ClinVar (database versions not stated): ExAC 0.00087; 1000 Genomes Project 30x 0.00281; 1000 Genomes Project 0.00319; ESP Exome Variant Server 0.00323.

Submission:

PreventionGenetics, part of Exact Sciences
Classification: Benign for CLPTM1-related condition. Last evaluated: 2019-07-16. Review status: no assertion criteria provided. Collection method: clinical testing. Allele origin: germline.
Comment: This variant is classified as benign based on ACMG/AMP sequence variant interpretation guidelines (Richards et al. 2015 PMID: 25741868, with internal and published modifications).